The following is an entry in ClinVar:

ClinVar aggregate classification (germline): Likely benign (1 of 4 stars; one submission).

Submission:

CeGaT Center for Human Genetics Tuebingen
Classification: Likely benign. Last evaluated: 2025-10-01. Review status: criteria provided, single submitter. Criteria: CeGaT Center For Human Genetics Tuebingen Variant Classification Criteria Version 2. Collection method: clinical testing. Allele origin: germline. Affected: yes. Observed: 1 variant allele.
Comment: COX15: PM2:Supporting, BP4, BP7

NM_078470.6(COX15):c.951G>A (p.Glu317=)

Gene: COX15 (cytochrome c oxidase assembly factor COX15; minus strand). Cytogenetic location: 10q24.2.
Variant type: single nucleotide variant.
Coding change: c.951G>A on transcript NM_078470.6 (MANE Select); coding-DNA position 951, G replaced by A.
Protein change: p.Glu317=; no amino-acid change (glutamic acid 317 retained).
Molecular consequence: synonymous variant. On other transcripts: intron variant (2).
Genome position (GRCh38, 1-based): chr10:99,718,382, C>T on the plus strand (G>A on the coding strand, the complement: COX15 is on the minus strand). VCF-style: chr10-99718382-C-T. GRCh37 (hg19) VCF-style: chr10-101478139-C-T.
Other names: c.951G>A, p.Glu317= (NM_001320974.2, NM_001372024.1, NM_001372025.1 and 2 more transcripts); c.414G>A, p.Glu138= (NM_001320976.2); c.924G>A, p.Glu308= (NM_001372026.1); c.833-1921G>A (NM_001372028.1, NM_001320975.2).
Identifiers: ClinVar variation 4534954 (VCV004534954.6).
Genomic context (GRCh38, chr10:99,718,382, plus strand): 5'-CAGGTAACCACCAACTACACTTACCAGAATCCGGTGATCAAACTGCACCATGGTGGGATT[C>T]TCAAAAACATTCCTCAGGATGGGGGAGAAGGTAAAGAGGTCCTCCGGGATCCAGGATTCT-3'
Protein context (NP_510870.1, residues 307-327): TFSPILRNVF[Glu317=]NPTMVQFDHR